The following is an entry in ClinVar:

NM_001005273.3(CHD3):c.4954dup (p.Glu1652fs)

Gene: CHD3 (chromodomain helicase DNA binding protein 3; plus strand). Cytogenetic location: 17p13.1.
Variant type: Duplication.
Coding change: c.4954dup on transcript NM_001005273.3 (MANE Select); coding-DNA position 4954, one base duplicated (G; older notation c.4954dupG).
Protein change: p.Glu1652fs; shifts the reading frame from glutamic acid 1652.
Molecular consequence: frameshift variant. On other transcripts: intron variant (2).
Genome position (GRCh38, 1-based): chr17:7,907,630, G duplicated; the last of 6 consecutive G bases (chr17:7,907,625-7,907,630); duplicating any one gives the same sequence. VCF-style (leftmost placement, unchanged base first): chr17-7907624-A-AG. GRCh37 (hg19) VCF-style: chr17-7810942-A-AG.
Other names: c.5131dup, p.Glu1711fs (NM_001005271.3, NM_001437504.1); c.5119dup, p.Glu1707fs (NM_001437507.1, NM_001437509.1); c.5089+142dup (NM_001437508.1); c.4924+142dup (NM_005852.4); short protein forms E1652fs, E1707fs, E1711fs.
Identifiers: ClinVar variation 4227764 (VCV004227764.1).

ClinVar aggregate classification (germline): Uncertain significance (1 of 4 stars; one submission).

Conditions:
Inborn genetic diseases. Identifiers: MedGen C0950123, MeSH D030342.

Submission:

Ambry Genetics
Classification: Uncertain significance for Inborn genetic diseases. Last evaluated: 2025-06-18. Review status: criteria provided, single submitter. Criteria: Ambry Variant Classification Scheme 2023. Collection method: clinical testing. Allele origin: germline.
Comment: The c.5131dupG (p.E1711Gfs*30) alteration, located in exon 33 (coding exon 33) of the CHD3 gene, consists of a duplication of G at position 5131, causing a translational frameshift with a predicted alternate stop codon after 30 amino acids. Loss of function alterations in this region of the CHD3 gene are more common in population databases than expected for likely pathogenic/disease-causing variants (Ambry internal data). This variant was not reported in population-based cohorts in the Genome Aggregation Database (gnomAD). Based on insufficient or conflicting evidence, the clinical significance of this alteration remains unclear.